The following is an entry in ClinVar:

NM_007294.4(BRCA1):c.4421C>A (p.Ala1474Asp)

Gene: BRCA1 (BRCA1 DNA repair associated; minus strand). Cytogenetic location: 17q21.31.
Variant type: single nucleotide variant.
Coding change: c.4421C>A on transcript NM_007294.4 (MANE Select); coding-DNA position 4421, C replaced by A.
Protein change: p.Ala1474Asp; replaces alanine 1474 with aspartic acid.
Molecular consequence: missense variant. On other transcripts: non-coding transcript variant (1).
Genome position (GRCh38, 1-based): chr17:43,076,551, G>T on the plus strand (C>A on the coding strand, the complement: BRCA1 is on the minus strand). VCF-style: chr17-43076551-G-T. GRCh37 (hg19) VCF-style: chr17-41228568-G-T.
Other names: c.4085C>A, p.Ala1362Asp (NM_001407954.1, NM_001407955.1, NM_001407950.1 and 3 more transcripts); c.4082C>A, p.Ala1361Asp (NM_001407957.1, NM_001407956.1, NM_001407958.1); c.4040C>A, p.Ala1347Asp (NM_001407959.1); c.4037C>A, p.Ala1346Asp (NM_001407960.1, NM_001407962.1); c.4208C>A, p.Ala1403Asp (NM_001407571.1, NM_001407894.1, NM_001407895.1 and 12 more transcripts); c.4487C>A, p.Ala1496Asp (NM_001407581.1, NM_001407582.1); c.4484C>A, p.Ala1495Asp (NM_001407583.1, NM_001407585.1, NM_001407587.1 and 1 more transcripts); c.4481C>A, p.Ala1494Asp (NM_001407590.1, NM_001407591.1); and 68 more; short protein forms A1305D, A1362D, A1363D, A1403D, A1446D, A1447D, A1448D, A1496D.
Identifiers: ClinVar variation 1740486 (VCV001740486.2), dbSNP rs2154066200, ClinGen allele CA10592696.

ClinVar aggregate classification (germline): Uncertain significance (1 of 4 stars; one submission).

Conditions:
Hereditary cancer-predisposing syndrome. Also called: Hereditary Cancer Syndrome; Hereditary neoplastic syndrome; Neoplastic Syndromes, Hereditary; Tumor predisposition. Identifiers: Orphanet 140162, MedGen C0027672, MeSH D009386, MONDO:0015356.

Submission:

Ambry Genetics
Classification: Uncertain significance for Hereditary cancer-predisposing syndrome. Last evaluated: 2021-06-21. Review status: criteria provided, single submitter. Criteria: Ambry Variant Classification Scheme 2023. Collection method: clinical testing. Allele origin: germline.
Comment: The p.A1474D variant (also known as c.4421C>A), located in coding exon 12 of the BRCA1 gene, results from a C to A substitution at nucleotide position 4421. The alanine at codon 1474 is replaced by aspartic acid, an amino acid with dissimilar properties. This amino acid position is not well conserved in available vertebrate species. In addition, the in silico prediction for this alteration is inconclusive. Since supporting evidence is limited at this time, the clinical significance of this alteration remains unclear.